The following is an entry in ClinVar:

NM_005235.3(ERBB4):c.1972A>T (p.Ile658Phe)

Gene: ERBB4 (erb-b2 receptor tyrosine kinase 4; minus strand). Cytogenetic location: 2q34.
Variant type: single nucleotide variant.
Coding change: c.1972A>T on transcript NM_005235.3 (MANE Select); coding-DNA position 1972, A replaced by T.
Protein change: p.Ile658Phe; replaces isoleucine 658 with phenylalanine.
Molecular consequence: missense variant.
Genome position (GRCh38, 1-based): chr2:211,630,569, T>A on the plus strand (A>T on the coding strand, the complement: ERBB4 is on the minus strand). VCF-style: chr2-211630569-T-A. GRCh37 (hg19) VCF-style: chr2-212495294-T-A.
Other names: NP_005226.1:p.Ile658Phe; c.1972A>T, p.Ile658Phe (NM_001042599.2); short protein forms I658F.
Identifiers: ClinVar variation 1563977 (VCV001563977.9), dbSNP rs190654033, ClinGen allele CA2087892.
Genomic context (GRCh38, chr2:211,630,569, plus strand): 5'-TCCTTCTAACATAAACAGCAAATGTCAGACCCACAATGACCAGAATGAAGAGCCCACCAA[T>A]TACTCCAGCTGCAATCAGGGGAGTTCTGACAACCAGAATGAGAAAAAAAAAAATAAAAAG-3'
Protein context (NP_005226.1, residues 648-668): ARTPLIAAGV[Ile658Phe]GGLFILVIVG

ClinVar aggregate classification (germline): Conflicting classifications of pathogenicity. Review status: criteria provided, conflicting classifications (1 of 4 stars). 2 submissions from 2 submitters: Uncertain significance (1); Likely benign (1). Last evaluated 2026-01-20.

Conditions:
Amyotrophic lateral sclerosis type 19. Identifiers: Orphanet 803, MedGen C3715155, MONDO:0014223, OMIM 615515.

Allele frequency attached by ClinVar (database versions not stated): gnomAD 0.00006 and 0.00009; gnomAD exomes 0.00009 and 0.00030; TOPMed 0.00019; ExAC 0.00029; 1000 Genomes Project 0.00060; 1000 Genomes Project 30x 0.00062.
gnomAD v4.1: 149 of 1,612,970 alleles (0.0092%); highest among the groups gnomAD compares: East Asian, 0.24%; no homozygotes.

Submissions (2):

Labcorp Genetics (formerly Invitae), Labcorp
Classification: Likely benign. Last evaluated: 2026-01-20. Review status: criteria provided, single submitter. Criteria: Invitae Variant Classification Sherloc (09022015). Collection method: clinical testing. Allele origin: germline.

Research Center of Medical Experimental Technology, The Third Xiangya Hospital of Central South University
Classification: Uncertain significance for Amyotrophic lateral sclerosis type 19. Last evaluated: 2025-05-10. Review status: criteria provided, single submitter. Criteria: ACMG Guidelines, 2015. Collection method: clinical testing. Allele origin: germline. Affected: yes.
Comment: The c.1972A>T (p.Ile658Phe) variant is located in exon 17 of the ERBB4 gene. This alteration results from an A to T substitution at nucleotide position 1972, causing the isoleucine (Ile) at amino acid position 658 to be replaced by the phenylalanine (Phe). This variant is present in population databases (rs190654033, gnomAD 0.0287%). Algorithms developed to predict the effect of missense changes on protein structure and function (SIFT: damaging, PROVEAN: deleterious, PolyPhen-2: probably damaging, CADD: deleterious, MutationTaster: deleterious) suggest that this variant is likely to be disease-causing. This variant has been reported in the literature in individuals with amyotrophic lateral sclerosis (PMID: 36857887; PMID: 35481267). ClinVar contains an entry for this variant (Variation ID: 1563977). In summary, the available evidence is currently insufficient to determine the role of this variant in disease. Therefore, it has been classified as a Variant of Uncertain Significance.

Literature cited by the submitters: PubMed 36857887 (cited by Research Center of Medical Experimental Technology, The Third Xiangya Hospital of Central South University); PubMed 35481267 (cited by Research Center of Medical Experimental Technology, The Third Xiangya Hospital of Central South University).